The following is an entry in ClinVar:

ClinVar aggregate classification (germline): Uncertain significance (1 of 4 stars; one submission).

Conditions:
Seizures, benign familial infantile, 3 (BFIS3). Also called: Familial neonatal seizures; CONVULSIONS, BENIGN FAMILIAL INFANTILE, 3. Identifiers: Orphanet 140927, Orphanet 306, MedGen C1843140, MONDO:0011904, OMIM 607745.
Episodic ataxia, type 9. Identifiers: MedGen C5394520, MONDO:0030064, OMIM 618924.
Developmental and epileptic encephalopathy, 11 (DEE11). Also called: Early infantile epileptic encephalopathy 11. Identifiers: Orphanet 1934, MedGen C3150987, MONDO:0013388, OMIM 613721.

Submission:

Clinical Genomics Laboratory, Washington University in St. Louis
Classification: Uncertain significance for Episodic ataxia, type 9; Developmental and epileptic encephalopathy, 11; Seizures, benign familial infantile, 3. Last evaluated: 2024-11-08. Review status: criteria provided, single submitter. Criteria: ACMG Guidelines, 2015. Collection method: clinical testing. Allele origin: germline.
Comment: The SCN2A c.626A>G (p.Asp209Gly) variant, to our knowledge, has not been reported in the medical literature. This variant is absent from the general population (gnomAD v.2.1.1), indicating it is not a common variant. Computational predictors indicate that the variant is damaging, evidence that correlates with impact to SCN2A function. Due to limited information, and based on ACMG/AMP guidelines for variant interpretation (Richards S et al., PMID: 25741868), the clinical significance of this variant is uncertain at this time

NM_001040142.2(SCN2A):c.626A>G (p.Asp209Gly)

Gene: SCN2A (sodium voltage-gated channel alpha subunit 2; plus strand). Cytogenetic location: 2q24.3.
Variant type: single nucleotide variant.
Coding change: c.626A>G on transcript NM_001040142.2 (MANE Select); coding-DNA position 626, A replaced by G.
Protein change: p.Asp209Gly; replaces aspartic acid 209 with glycine.
Molecular consequence: missense variant. On other transcripts: intron variant (2).
Genome position (GRCh38, 1-based): chr2:165,309,372, A>G. VCF-style: chr2-165309372-A-G. GRCh37 (hg19) VCF-style: chr2-166165882-A-G.
Other names: c.626A>G, p.Asp209Gly (NM_001371247.1, NM_021007.3); c.697+116A>G (NM_001040143.2, NM_001371246.1); short protein forms D209G.
Identifiers: ClinVar variation 3600419 (VCV003600419.1).